The following is an entry in ClinVar:

NM_000121.4(EPOR):c.24C>T (p.Leu8=)

Gene: EPOR (erythropoietin receptor; minus strand). Cytogenetic location: 19p13.2.
Variant type: single nucleotide variant.
Coding change: c.24C>T on transcript NM_000121.4 (MANE Select); coding-DNA position 24, C replaced by T.
Protein change: p.Leu8=; no amino-acid change (leucine 8 retained).
Molecular consequence: synonymous variant. On other transcripts: non-coding transcript variant (1).
Genome position (GRCh38, 1-based): chr19:11,384,184, G>A on the plus strand (C>T on the coding strand, the complement: EPOR is on the minus strand). VCF-style: chr19-11384184-G-A. GRCh37 (hg19) VCF-style: chr19-11494860-G-A.
Identifiers: ClinVar variation 328157 (VCV000328157.15), dbSNP rs577368929, ClinGen allele CA9210924.
Genomic context (GRCh38, chr19:11,384,184, plus strand): 5'-AGGCGGGGGCGCCCAGGCGGCCCCAGCGAGCAGGAGACAAAGGGAGCCGACCTGGGGCCA[G>A]AGGGACGCCCCGAGGTGGTCCATGATACAGCCCCCGCCACGGGGAGCCCAGGGCTCCTGC-3'
Protein context (NP_000112.1, residues 1-18): MDHLGAS[Leu8=]WPQVGSLCLL

ClinVar aggregate classification (germline): Benign/Likely benign. Review status: criteria provided, multiple submitters, no conflicts (2 of 4 stars). 4 submissions from 4 submitters: Benign (1); Likely benign (3). Last evaluated 2025-05-21.

Conditions:
Primary familial polycythemia due to EPO receptor mutation. Also called: ERYTHROCYTOSIS, SOMATIC; Primary Familial Congenital Polycythemia; POLYCYTHEMIA, PRIMARY FAMILIAL AND CONGENITAL; Erythrocytosis, familial, 1. Identifiers: Orphanet 90042, MedGen C4551637, MONDO:0007572, OMIM 133100.

Allele frequency attached by ClinVar (database versions not stated): gnomAD 0.00004 and 0.00065; TOPMed 0.00012; gnomAD exomes 0.00105 and 0.00272; 1000 Genomes Project 30x 0.00484; 1000 Genomes Project 0.00539; ExAC 0.00862.

Submissions (4):

Labcorp Genetics (formerly Invitae), Labcorp
Classification: Benign. Last evaluated: 2025-05-21. Review status: criteria provided, single submitter. Criteria: Invitae Variant Classification Sherloc (09022015). Collection method: clinical testing. Allele origin: germline.

Blueprint Genetics
Classification: Likely benign. Last evaluated: 2024-10-22. Review status: criteria provided, single submitter. Criteria: ACMG Guidelines, 2015. Collection method: clinical testing. Allele origin: germline.

Illumina Laboratory Services, Illumina
Classification: Likely benign for Primary familial polycythemia due to EPO receptor mutation. Last evaluated: 2017-04-27. Review status: criteria provided, single submitter. Criteria: ICSL Variant Classification Criteria 13 December 2019. Collection method: clinical testing. Allele origin: germline.
Comment: This variant was observed as part of a predisposition screen in an ostensibly healthy population. A literature search was performed for the gene, cDNA change, and amino acid change (where applicable). No publications were found based on this search. Allele frequency data from public databases allowed determination this variant is unlikely to cause disease. Therefore, this variant is classified as likely benign.

Breakthrough Genomics
Classification: Likely benign. Review status: criteria provided, single submitter. Criteria: ACMG Guidelines, 2015. Collection method: not provided. Allele origin: germline. Inheritance: Autosomal dominant inheritance. Affected: yes.